The following is an entry in ClinVar:

ClinVar aggregate classification (germline): Likely benign. Review status: criteria provided, multiple submitters, no conflicts (2 of 4 stars). 5 submissions from 5 submitters: Likely benign (5). Last evaluated 2025-12-21.

Conditions:
Inborn genetic diseases. Identifiers: MedGen C0950123, MeSH D030342.

Allele frequency attached by ClinVar (database versions not stated): gnomAD 0.00001; ExAC 0.00003; 1000 Genomes Project 30x 0.00016; 1000 Genomes Project 0.00020.
gnomAD v4.1: 19 of 1,613,902 alleles (0.0012%); highest among the groups gnomAD compares: Non-Finnish European, 0.0015%; no homozygotes.

Submissions (5):

Labcorp Genetics (formerly Invitae), Labcorp
Classification: Likely benign. Last evaluated: 2025-12-21. Review status: criteria provided, single submitter. Criteria: Invitae Variant Classification Sherloc (09022015). Collection method: clinical testing. Allele origin: germline.

Blueprint Genetics
Classification: Likely benign. Last evaluated: 2024-11-25. Review status: criteria provided, single submitter. Criteria: ACMG Guidelines, 2015. Collection method: clinical testing. Allele origin: germline.

CeGaT Center for Human Genetics Tuebingen
Classification: Likely benign. Last evaluated: 2023-01-01. Review status: criteria provided, single submitter. Criteria: CeGaT Center For Human Genetics Tuebingen Variant Classification Criteria Version 2. Collection method: clinical testing. Allele origin: germline. Affected: yes. Observed: 1 variant allele.
Comment: TPP1: BP4, BP7

Ambry Genetics
Classification: Likely benign for Inborn genetic diseases. Last evaluated: 2018-09-15. Review status: criteria provided, single submitter. Criteria: Ambry Variant Classification Scheme 2023. Collection method: clinical testing. Allele origin: germline.

GeneDx
Classification: Likely benign. Last evaluated: 2017-02-28. Review status: criteria provided, single submitter. Criteria: GeneDx Variant Classification (06012015). Collection method: clinical testing. Allele origin: germline. Affected: yes.
Comment: This variant is considered likely benign or benign based on one or more of the following criteria: it is a conservative change, it occurs at a poorly conserved position in the protein, it is predicted to be benign by multiple in silico algorithms, and/or has population frequency not consistent with disease.

NM_000391.4(TPP1):c.213C>T (p.Pro71=)

Gene: TPP1 (tripeptidyl peptidase 1; minus strand). Cytogenetic location: 11p15.4.
Variant type: single nucleotide variant.
Coding change: c.213C>T on transcript NM_000391.4 (MANE Select); coding-DNA position 213, C replaced by T.
Protein change: p.Pro71=; no amino-acid change (proline 71 retained).
Molecular consequence: synonymous variant.
Genome position (GRCh38, 1-based): chr11:6,618,792, G>A on the plus strand (C>T on the coding strand, the complement: TPP1 is on the minus strand). VCF-style: chr11-6618792-G-A. GRCh37 (hg19) VCF-style: chr11-6640023-G-A.
Identifiers: ClinVar variation 507627 (VCV000507627.38), dbSNP rs143730817, ClinGen allele CA5859029.